The following is an entry in ClinVar:

NM_001080414.4(CCDC88C):c.2617G>A (p.Asp873Asn)

Gene: CCDC88C (coiled-coil and HOOK domain protein 88C; minus strand). Cytogenetic location: 14q32.11.
Variant type: single nucleotide variant.
Coding change: c.2617G>A on transcript NM_001080414.4 (MANE Select); coding-DNA position 2617, G replaced by A.
Protein change: p.Asp873Asn; replaces aspartic acid 873 with asparagine.
Molecular consequence: missense variant. On other transcripts: non-coding transcript variant (2).
Genome position (GRCh38, 1-based): chr14:91,313,199, C>T on the plus strand (G>A on the coding strand, the complement: CCDC88C is on the minus strand). VCF-style: chr14-91313199-C-T. GRCh37 (hg19) VCF-style: chr14-91779543-C-T.
Other names: short protein forms D873N.
Identifiers: ClinVar variation 3671123 (VCV003671123.2).

ClinVar aggregate classification (germline): Uncertain significance (1 of 4 stars; one submission).

Submission:

Labcorp Genetics (formerly Invitae), Labcorp
Classification: Uncertain significance. Last evaluated: 2024-10-02. Review status: criteria provided, single submitter. Criteria: Invitae Variant Classification Sherloc (09022015). Collection method: clinical testing. Allele origin: germline.
Comment: This sequence change replaces aspartic acid, which is acidic and polar, with asparagine, which is neutral and polar, at codon 873 of the CCDC88C protein (p.Asp873Asn). This variant is not present in population databases (gnomAD no frequency). This variant has not been reported in the literature in individuals affected with CCDC88C-related conditions. An algorithm developed to predict the effect of missense changes on protein structure and function (PolyPhen-2) suggests that this variant is likely to be disruptive. In summary, the available evidence is currently insufficient to determine the role of this variant in disease. Therefore, it has been classified as a Variant of Uncertain Significance.